The following is an entry in ClinVar:

NM_014946.4(SPAST):c.943A>T (p.Lys315Ter)

Gene: SPAST (spastin; plus strand). Cytogenetic location: 2p22.3.
Variant type: single nucleotide variant.
Coding change: c.943A>T on transcript NM_014946.4 (MANE Select); coding-DNA position 943, A replaced by T.
Protein change: p.Lys315Ter; replaces lysine 315 with a stop codon.
Molecular consequence: nonsense.
Genome position (GRCh38, 1-based): chr2:32,115,774, A>T. VCF-style: chr2-32115774-A-T. GRCh37 (hg19) VCF-style: chr2-32340843-A-T.
Other names: c.940A>T, p.Lys314Ter (NM_001363823.2); c.844A>T, p.Lys282Ter (NM_001363875.2); c.847A>T, p.Lys283Ter (NM_001377959.1, NM_199436.2); short protein forms K282*, K283*, K314*, K315*.
Identifiers: ClinVar variation 805514 (VCV000805514.1), dbSNP rs1573120705, ClinGen allele CA346499228.

ClinVar aggregate classification (germline): Likely pathogenic (1 of 4 stars; one submission).

Submission:

Athena Diagnostics
Classification: Likely pathogenic. Last evaluated: 2019-06-06. Review status: criteria provided, single submitter. Criteria: Athena Diagnostics Criteria. Collection method: clinical testing. Allele origin: germline.
Comment: The variant creates a premature nonsense codon, and is therefore predicted to result in the loss of a functional protein. Not found in the total gnomAD dataset, and the data is high quality (0/282478 chr).